The following is an entry in ClinVar:

NM_001267550.2(TTN):c.101258T>C (p.Phe33753Ser)

Genes: TTN-AS1 (TTN antisense RNA 1; plus strand), TTN (titin; minus strand). Cytogenetic location: 2q31.2.
Variant type: single nucleotide variant.
Coding change: c.101258T>C on transcript NM_001267550.2 (MANE Select); coding-DNA position 101258, T replaced by C.
Protein change: p.Phe33753Ser; replaces phenylalanine 33753 with serine.
Molecular consequence: missense variant.
Genome position (GRCh38, 1-based): chr2:178,535,357, A>G on the plus strand (T>C on the coding strand, the complement: TTN is on the minus strand). VCF-style: chr2-178535357-A-G. GRCh37 (hg19) VCF-style: chr2-179400084-A-G.
Other names: c.96335T>C, p.Phe32112Ser (NM_001256850.1); c.74063T>C, p.Phe24688Ser (NM_003319.4); c.93554T>C, p.Phe31185Ser (NM_133378.4); c.74438T>C, p.Phe24813Ser (NM_133432.3); c.74639T>C, p.Phe24880Ser (NM_133437.4); short protein forms F31185S, F24688S, F32112S, F24813S, F24880S, F33753S.
Identifiers: ClinVar variation 2062364 (VCV002062364.4), dbSNP rs764462637, ClinGen allele CA1985910.

ClinVar aggregate classification (germline): Uncertain significance (1 of 4 stars; one submission).

Conditions:
Dilated cardiomyopathy 1G (CMD1G). Identifiers: Orphanet 154, MedGen C1858763, MONDO:0011400, OMIM 604145.
Autosomal recessive limb-girdle muscular dystrophy type 2J (LGMDR10). Also called: Limb-girdle muscular dystrophy, type 2J; MUSCULAR DYSTROPHY, LIMB-GIRDLE, AUTOSOMAL RECESSIVE 10. Identifiers: Orphanet 140922, MedGen C1837342, MONDO:0012127, OMIM 608807.

Allele frequency attached by ClinVar (database versions not stated): ExAC 0.00005.
gnomAD v4.1: 14 of 1,613,904 alleles (0.00087%); highest among the groups gnomAD compares: Non-Finnish European, 0.001%; no homozygotes.

Submission:

Labcorp Genetics (formerly Invitae), Labcorp
Classification: Uncertain significance for Dilated cardiomyopathy 1G; Autosomal recessive limb-girdle muscular dystrophy type 2J. Last evaluated: 2023-08-17. Review status: criteria provided, single submitter. Criteria: Invitae Variant Classification Sherloc (09022015). Collection method: clinical testing. Allele origin: germline.
Comment: ClinVar contains an entry for this variant (Variation ID: 2062364). In summary, the available evidence is currently insufficient to determine the role of this variant in disease. Therefore, it has been classified as a Variant of Uncertain Significance. This variant is located in the M band of TTN (PMID: 25589632). Variants in this region may be relevant for neuromuscular disorders, but have not been definitively shown to cause cardiomyopathy (PMID: 23975875). Experimental studies and prediction algorithms are not available or were not evaluated, and the functional significance of this variant is currently unknown. This variant has not been reported in the literature in individuals affected with TTN-related conditions. This variant is present in population databases (rs764462637, gnomAD 0.005%). This sequence change replaces phenylalanine, which is neutral and non-polar, with serine, which is neutral and polar, at codon 33753 of the TTN protein (p.Phe33753Ser).

Literature cited by the submitters: PubMed 25589632; PubMed 23975875.